The following is an entry in ClinVar:

NM_001003841.3(SLC6A19):c.1169C>G (p.Ser390Ter)

Gene: SLC6A19 (solute carrier family 6 member 19; plus strand). Cytogenetic location: 5p15.33.
Variant type: single nucleotide variant.
Coding change: c.1169C>G on transcript NM_001003841.3 (MANE Select); coding-DNA position 1169, C replaced by G.
Protein change: p.Ser390Ter; replaces serine 390 with a stop codon.
Molecular consequence: nonsense.
Genome position (GRCh38, 1-based): chr5:1,216,941, C>G. VCF-style: chr5-1216941-C-G. GRCh37 (hg19) VCF-style: chr5-1217056-C-G.
Other names: NM_001003841.3:c.1169C>G; short protein forms S390*.
Identifiers: ClinVar variation 2500902 (VCV002500902.2), dbSNP rs2477951256, ClinGen allele CA359071494.

ClinVar aggregate classification (germline): Likely pathogenic. Review status: criteria provided, multiple submitters, no conflicts (2 of 4 stars). 2 submissions from 2 submitters: Likely pathogenic (2). Last evaluated 2024-04-25.

Conditions:
Neutral 1 amino acid transport defect (HND). Also called: Hartnup disease; HARTNUP DISORDER. Identifiers: Orphanet 2116, MedGen C0018609, MONDO:0009324, OMIM 234500.

Submissions (2):

Fulgent Genetics
Classification: Likely pathogenic for Neutral 1 amino acid transport defect. Last evaluated: 2024-04-25. Review status: criteria provided, single submitter. Criteria: ACMG Guidelines, 2015. Collection method: clinical testing. Allele origin: germline.

Broad Center for Mendelian Genomics, Broad Institute of MIT and Harvard
Classification: Likely pathogenic for Neutral 1 amino acid transport defect. Last evaluated: 2023-05-02. Review status: criteria provided, single submitter. Criteria: ACMG Guidelines, 2015. Collection method: curation. Allele origin: germline. Inheritance: Autosomal recessive inheritance.
Comment: The p.Ser390Ter variant in SLC6A19 has not been previously reported in individuals with Hartnup disorder. This variant was absent from large population studies. This nonsense variant leads to a premature termination codon at position 390, which is predicted to lead to a truncated or absent protein. Loss of function of the SLC6A19 gene is an established disease mechanism in autosomal recessive Hartnup disorder. In summary, although additional studies are required to fully establish its clinical significance, this variant is likely pathogenic for autosomal recessive Hartnup disorder. ACMG/AMP Criteria applied: PVS1, PM2_Supporting (Richards 2015).